The following is an entry in ClinVar:

NM_004260.4(RECQL4):c.3193C>T (p.Gln1065Ter)

Gene: RECQL4 (RecQ like helicase 4; minus strand). Cytogenetic location: 8q24.3.
Variant type: single nucleotide variant.
Coding change: c.3193C>T on transcript NM_004260.4 (MANE Select); coding-DNA position 3193, C replaced by T.
Protein change: p.Gln1065Ter; replaces glutamine 1065 with a stop codon.
Molecular consequence: nonsense.
Genome position (GRCh38, 1-based): chr8:144,512,187, G>A on the plus strand (C>T on the coding strand, the complement: RECQL4 is on the minus strand). VCF-style: chr8-144512187-G-A. GRCh37 (hg19) VCF-style: chr8-145737570-G-A.
Other names: short protein forms Q1065*.
Identifiers: ClinVar variation 969037 (VCV000969037.6), dbSNP rs1586792875, ClinGen allele CA372669935.

ClinVar aggregate classification (germline): Pathogenic (1 of 4 stars; one submission).

Conditions:
Baller-Gerold syndrome (BGS). Also called: CRANIOSYNOSTOSIS WITH RADIAL DEFECTS. Identifiers: Orphanet 1225, MedGen C0265308, MONDO:0009039, OMIM 218600.

Submission:

Labcorp Genetics (formerly Invitae), Labcorp
Classification: Pathogenic for Baller-Gerold syndrome. Last evaluated: 2023-06-27. Review status: criteria provided, single submitter. Criteria: Invitae Variant Classification Sherloc (09022015). Collection method: clinical testing. Allele origin: germline.
Comment: This variant is not present in population databases (gnomAD no frequency). For these reasons, this variant has been classified as Pathogenic. ClinVar contains an entry for this variant (Variation ID: 969037). This variant has not been reported in the literature in individuals affected with RECQL4-related conditions. This sequence change creates a premature translational stop signal (p.Gln1065*) in the RECQL4 gene. It is expected to result in an absent or disrupted protein product. Loss-of-function variants in RECQL4 are known to be pathogenic (PMID: 12734318, 12952869).

Literature cited by the submitters: PubMed 12734318; PubMed 12952869.